The following is an entry in ClinVar:

NM_198994.3(TGM6):c.940G>A (p.Val314Met)

Gene: TGM6 (transglutaminase 6; plus strand). Cytogenetic location: 20p13.
Variant type: single nucleotide variant.
Coding change: c.940G>A on transcript NM_198994.3 (MANE Select); coding-DNA position 940, G replaced by A.
Protein change: p.Val314Met; replaces valine 314 with methionine.
Molecular consequence: missense variant.
Genome position (GRCh38, 1-based): chr20:2,400,395, G>A. VCF-style: chr20-2400395-G-A. GRCh37 (hg19) VCF-style: chr20-2381041-G-A.
Other names: c.940G>A, p.Val314Met (NM_001254734.2); short protein forms V314M.
Identifiers: ClinVar variation 337916 (VCV000337916.37), dbSNP rs202184911, ClinGen allele CA9731889.

ClinVar aggregate classification (germline): Conflicting classifications of pathogenicity. Review status: criteria provided, conflicting classifications (1 of 4 stars). 6 submissions from 6 submitters: Uncertain significance (1); Benign (2); Likely benign (3). Last evaluated 2025-11-21.

Conditions:
Spinocerebellar ataxia type 35. Identifiers: Orphanet 276193, MedGen C3888031, MONDO:0013485, OMIM 613908.

Allele frequency attached by ClinVar (database versions not stated): gnomAD 0.00021 and 0.00025; TOPMed 0.00026; ExAC 0.00029; gnomAD exomes 0.00043; 1000 Genomes Project 30x 0.00094; 1000 Genomes Project 0.00100.
gnomAD v4.1: 253 of 1,614,162 alleles (0.016%); highest among the groups gnomAD compares: East Asian, 0.36%; 2 homozygotes.

Submissions (6):

Labcorp Genetics (formerly Invitae), Labcorp
Classification: Likely benign. Last evaluated: 2025-11-21. Review status: criteria provided, single submitter. Criteria: Invitae Variant Classification Sherloc (09022015). Collection method: clinical testing. Allele origin: germline.

Blueprint Genetics
Classification: Likely benign. Last evaluated: 2024-11-27. Review status: criteria provided, single submitter. Criteria: ACMG Guidelines, 2015. Collection method: clinical testing. Allele origin: germline.

Genomic Medicine Center of Excellence, King Faisal Specialist Hospital and Research Centre
Classification: Uncertain significance for Spinocerebellar ataxia type 35. Last evaluated: 2024-03-29. Review status: criteria provided, single submitter. Criteria: ACMG Guidelines, 2015. Collection method: clinical testing. Allele origin: germline.

CeGaT Center for Human Genetics Tuebingen
Classification: Likely benign. Last evaluated: 2024-02-01. Review status: criteria provided, single submitter. Criteria: CeGaT Center For Human Genetics Tuebingen Variant Classification Criteria Version 2. Collection method: clinical testing. Allele origin: germline. Affected: yes. Observed: 1 variant allele.
Comment: TGM6: BS1

Athena Diagnostics
Classification: Benign. Last evaluated: 2020-01-03. Review status: criteria provided, single submitter. Criteria: Athena Diagnostics Criteria. Collection method: clinical testing. Allele origin: unknown.

Illumina Laboratory Services, Illumina
Classification: Benign for Spinocerebellar ataxia type 35. Last evaluated: 2018-01-13. Review status: criteria provided, single submitter. Criteria: ICSL Variant Classification Criteria 13 December 2019. Collection method: clinical testing. Allele origin: germline.
Comment: This variant was observed in the ICSL laboratory as part of a predisposition screen in an ostensibly healthy population. It had not been previously curated by ICSL or reported in the Human Gene Mutation Database (HGMD: prior to June 1st, 2018), and was therefore a candidate for classification through an automated scoring system. Utilizing variant allele frequency, disease prevalence and penetrance estimates, and inheritance mode, an automated score was calculated to assess if this variant is too frequent to cause the disease. Based on the score and internal cut-off values, a variant classified as benign is not then subjected to further curation. The score for this variant resulted in a classification of benign for this disease.

Literature cited by the submitters: PubMed 30670339 (cited by Athena Diagnostics).